The following is an entry in ClinVar:

NM_002335.4(LRP5):c.1193G>A (p.Arg398His)

Gene: LRP5 (LDL receptor related protein 5; plus strand). Cytogenetic location: 11q13.2.
Variant type: single nucleotide variant.
Coding change: c.1193G>A on transcript NM_002335.4 (MANE Select); coding-DNA position 1193, G replaced by A.
Protein change: p.Arg398His; replaces arginine 398 with histidine.
Molecular consequence: missense variant. On other transcripts: 5 prime UTR variant (1).
Genome position (GRCh38, 1-based): chr11:68,386,493, G>A. VCF-style: chr11-68386493-G-A. GRCh37 (hg19) VCF-style: chr11-68153961-G-A.
Other names: c.-573G>A (NM_001291902.2); short protein forms R398H.
Identifiers: ClinVar variation 1059848 (VCV001059848.12), dbSNP rs763043311, ClinGen allele CA6149266.

ClinVar aggregate classification (germline): Conflicting classifications of pathogenicity. Review status: criteria provided, conflicting classifications (1 of 4 stars). 3 submissions from 3 submitters: Likely pathogenic (1); Uncertain significance (2). Last evaluated 2025-09-15.

Conditions:
Osteoporosis with pseudoglioma (OPPG). Also called: osteoporosis-pseudoglioma syndrome. Identifiers: Orphanet 2788, MedGen C0432252, MONDO:0009820, OMIM 259770.
Bone mineral density quantitative trait locus 1 (BMND1). Identifiers: MedGen C1866079, OMIM 601884.
Exudative vitreoretinopathy 4 (EVR4). Identifiers: Orphanet 891, MedGen C1866176, MONDO:0011151, OMIM 601813.
Worth disease. Also called: OSTEOSCLEROSIS, AUTOSOMAL DOMINANT; Autosomal dominant osteosclerosis, Worth type; ENDOSTEAL HYPEROSTOSIS, AUTOSOMAL DOMINANT. Identifiers: Orphanet 2790, MedGen C0432273, MONDO:0007764, OMIM 144750.
Polycystic liver disease 4 with or without kidney cysts. Identifiers: MedGen C4693479, MONDO:0044327, OMIM 617875.
Autosomal dominant osteopetrosis 1 (OPTA1). Also called: OSTEOPETROSIS, AUTOSOMAL DOMINANT, TYPE I. Identifiers: Orphanet 2783, MedGen C1843330, MONDO:0011877, OMIM 607634.

Allele frequency attached by ClinVar (database versions not stated): ExAC 0.00001; gnomAD exomes 0.00001 and 0.00002; TOPMed 0.00002.
gnomAD v4.1: 8 of 1,614,074 alleles (0.0005%); highest among the groups gnomAD compares: East Asian, 0.0022%; no homozygotes.

Submissions (3):

Labcorp Genetics (formerly Invitae), Labcorp
Classification: Likely pathogenic. Last evaluated: 2025-09-15. Review status: criteria provided, single submitter. Criteria: Invitae Variant Classification Sherloc (09022015). Collection method: clinical testing. Allele origin: germline.
Comment: This sequence change replaces arginine, which is basic and polar, with histidine, which is basic and polar, at codon 398 of the LRP5 protein (p.Arg398His). This variant is present in population databases (rs763043311, gnomAD 0.02%). This missense change has been observed in individual(s) with exudative vitreoretinopathy and/or retinal dystrophy (PMID: 30452590, 31106028, 31169861, 31237656). ClinVar contains an entry for this variant (Variation ID: 1059848). Invitae Evidence Modeling of protein sequence and biophysical properties (such as structural, functional, and spatial information, amino acid conservation, physicochemical variation, residue mobility, and thermodynamic stability) has been performed for this missense variant. However, the output from this modeling did not meet the statistical confidence thresholds required to predict the impact of this variant on LRP5 protein function. In summary, the currently available evidence indicates that the variant is pathogenic, but additional data are needed to prove that conclusively. Therefore, this variant has been classified as Likely Pathogenic.

Blueprint Genetics
Classification: Uncertain significance. Last evaluated: 2022-06-10. Review status: criteria provided, single submitter. Criteria: ACMG Guidelines, 2015. Collection method: clinical testing. Allele origin: germline.

Juno Genomics, Hangzhou Juno Genomics, Inc
Classification: Uncertain significance for Bone mineral density quantitative trait locus 1; Worth disease; Exudative vitreoretinopathy 4; Autosomal dominant osteopetrosis 1; Osteoporosis with pseudoglioma; Polycystic liver disease 4 with or without kidney cysts. Review status: criteria provided, single submitter. Criteria: ACMG Guidelines, 2015. Collection method: clinical testing. Allele origin: germline.
Comment: Absent from controls (or at extremely low frequency if recessive) in Genome Aggregation Database.;Multiple lines of computational evidence support a deleterious effect on the gene or gene product.;Missense variant in a gene that has a low rate of benign missense variation.

Literature cited by the submitters: PubMed 30452590 (cited by Labcorp Genetics (formerly Invitae), Labcorp); PubMed 31106028 (cited by Labcorp Genetics (formerly Invitae), Labcorp); PubMed 31169861 (cited by Labcorp Genetics (formerly Invitae), Labcorp); PubMed 31237656 (cited by Labcorp Genetics (formerly Invitae), Labcorp).